The following is an entry in ClinVar:

ClinVar aggregate classification (germline): Uncertain significance. Review status: criteria provided, multiple submitters, no conflicts (2 of 4 stars). 4 submissions from 4 submitters: Uncertain significance (3). 1 of the submissions does not count toward it. Last evaluated 2024-07-24.

Conditions:
ZNF469-related disorder. Also called: ZNF469-related condition.
Cardiovascular phenotype. Identifiers: MedGen CN230736.

Allele frequency attached by ClinVar (database versions not stated): gnomAD 0.00001; TOPMed 0.00001.
gnomAD v4.1: 10 of 1,547,954 alleles (0.00065%); highest among the groups gnomAD compares: Non-Finnish European, 0.00087%; no homozygotes.

Submissions (4):

Ambry Genetics
Classification: Uncertain significance for Cardiovascular phenotype. Last evaluated: 2024-07-24. Review status: criteria provided, single submitter. Criteria: Ambry Variant Classification Scheme 2023. Collection method: clinical testing. Allele origin: germline.
Comment: The p.T418I variant (also known as c.1253C>T), located in coding exon 1 of the ZNF469 gene, results from a C to T substitution at nucleotide position 1253. The threonine at codon 418 is replaced by isoleucine, an amino acid with similar properties. This amino acid position is conserved. In addition, this alteration is predicted to be tolerated by in silico analysis. Based on the available evidence, the clinical significance of this variant remains unclear.

GeneDx
Classification: Uncertain significance. Last evaluated: 2024-05-28. Review status: criteria provided, single submitter. Criteria: GeneDx Variant Classification Process June 2021. Collection method: clinical testing. Allele origin: germline. Affected: yes.
Comment: Not observed at significant frequency in large population cohorts (gnomAD); In silico analysis indicates that this missense variant does not alter protein structure/function; Has not been previously published as pathogenic or benign to our knowledge

Labcorp Genetics (formerly Invitae), Labcorp
Classification: Uncertain significance. Last evaluated: 2022-04-24. Review status: criteria provided, single submitter. Criteria: Invitae Variant Classification Sherloc (09022015). Collection method: clinical testing. Allele origin: germline.
Comment: This sequence change replaces threonine, which is neutral and polar, with isoleucine, which is neutral and non-polar, at codon 418 of the ZNF469 protein (p.Thr418Ile). This variant is present in population databases (no rsID available, gnomAD 0.007%). This variant has not been reported in the literature in individuals affected with ZNF469-related conditions. Algorithms developed to predict the effect of missense changes on protein structure and function are either unavailable or do not agree on the potential impact of this missense change (SIFT: "Deleterious"; PolyPhen-2: "Benign"; Align-GVGD: "Class C0"). In summary, the available evidence is currently insufficient to determine the role of this variant in disease. Therefore, it has been classified as a Variant of Uncertain Significance.

PreventionGenetics, part of Exact Sciences
Classification: Uncertain significance for ZNF469-related condition. Last evaluated: 2024-08-30. Review status: no assertion criteria provided. Collection method: clinical testing. Allele origin: germline. Not counted in ClinVar's aggregate classification.
Comment: The ZNF469 c.1253C>T variant is predicted to result in the amino acid substitution p.Thr418Ile. To our knowledge, this variant has not been reported in the literature. This variant is reported in 0.0065% of alleles in individuals of European (Non-Finnish) descent in gnomAD. At this time, the clinical significance of this variant is uncertain due to the absence of conclusive functional and genetic evidence.

NM_001367624.2(ZNF469):c.1253C>T (p.Thr418Ile)

Gene: ZNF469 (zinc finger protein 469; plus strand). Cytogenetic location: 16q24.2.
Variant type: single nucleotide variant.
Coding change: c.1253C>T on transcript NM_001367624.2 (MANE Select); coding-DNA position 1253, C replaced by T.
Protein change: p.Thr418Ile; replaces threonine 418 with isoleucine.
Molecular consequence: missense variant.
Genome position (GRCh38, 1-based): chr16:88,428,723, C>T. VCF-style: chr16-88428723-C-T. GRCh37 (hg19) VCF-style: chr16-88495131-C-T.
Other names: NM_001127464.2:c.1253C>T; NM_001127464.1:c.1253C>T; short protein forms T418I.
Identifiers: ClinVar variation 1388324 (VCV001388324.9), dbSNP rs1420971751, ClinGen allele CA397064048.
Genomic context (GRCh38, chr16:88,428,723, plus strand): 5'-CTAGCTCCCTACCCCAGAGGCACTTTCCAGGGCAGGCGTACAGAGCCAGTGGGGTGGACA[C>T]CAGCCCGGGGCCTCCGGACACCGAGCTGGCCGCCCCAGGGCCCCCACCCGCCAGGCTGCC-3'
Protein context (NP_001354553.1, residues 408-428): GQAYRASGVD[Thr418Ile]SPGPPDTELA